The following is an entry in ClinVar:

ClinVar aggregate classification (germline): Pathogenic (1 of 4 stars; one submission).

Conditions:
Hereditary spastic paraplegia 28. Also called: Spastic paraplegia 28, autosomal recessive. Identifiers: Orphanet 101008, MedGen C1836295, MONDO:0012256, OMIM 609340.

Submission:

Labcorp Genetics (formerly Invitae), Labcorp
Classification: Pathogenic for Hereditary spastic paraplegia 28. Last evaluated: 2024-03-01. Review status: criteria provided, single submitter. Criteria: Invitae Variant Classification Sherloc (09022015). Collection method: clinical testing. Allele origin: germline.
Comment: This sequence change creates a premature translational stop signal (p.Leu115Phefs*44) in the DDHD1 gene. It is expected to result in an absent or disrupted protein product. Loss-of-function variants in DDHD1 are known to be pathogenic (PMID: 23176821, 24989667, 26944165, 27216551). This variant is present in population databases (rs769953397, gnomAD 0.01%). This variant has not been reported in the literature in individuals affected with DDHD1-related conditions. For these reasons, this variant has been classified as Pathogenic.

Literature cited by the submitters: PubMed 23176821; PubMed 24989667; PubMed 26944165; PubMed 27216551.

NM_001160148.2(DDHD1):c.344dup (p.Leu115fs)

Gene: DDHD1 (DDHD domain containing 1; minus strand). Cytogenetic location: 14q22.1.
Variant type: Duplication.
Coding change: c.344dup on transcript NM_001160148.2 (MANE Select); coding-DNA position 344, one base duplicated (T; older notation c.344dupT).
Protein change: p.Leu115fs; shifts the reading frame from leucine 115.
Molecular consequence: frameshift variant.
Genome position (GRCh38, 1-based): chr14:53,152,755, A duplicated on the plus strand (T on the coding strand, the reverse complement: DDHD1 is on the minus strand); the first of 2 consecutive A bases (chr14:53,152,755-53,152,756); duplicating either gives the same sequence. VCF-style (leftmost placement, unchanged base first): chr14-53152754-C-CA. GRCh37 (hg19) VCF-style: chr14-53619472-C-CA.
Other names: c.344dup, p.Leu115fs (NM_001160147.2, NM_030637.3); short protein forms L115fs.
Identifiers: ClinVar variation 3720709 (VCV003720709.2).
Genomic context (GRCh38, chr14:53,152,754, plus strand): 5'-CGCGCCGCCGCCCCCCGAGTTCGTCGGGACCAGCGGAGGCTGCTGCGGCGGGTGCAGCGA[C>CA]AAGGAGCTGCCGCCGCCGCCGCTCTCACCCTCGCTGTAGTAGCGCAGCGAGGAGCCCGAC-3'